The following is an entry in ClinVar:

NM_181882.3(PRX):c.815C>T (p.Thr272Ile)

Gene: PRX (periaxin; minus strand). Cytogenetic location: 19q13.2.
Variant type: single nucleotide variant.
Coding change: c.815C>T on transcript NM_181882.3 (MANE Select); coding-DNA position 815, C replaced by T.
Protein change: p.Thr272Ile; replaces threonine 272 with isoleucine.
Molecular consequence: missense variant. On other transcripts: 3 prime UTR variant (1).
Genome position (GRCh38, 1-based): chr19:40,397,537, G>A on the plus strand (C>T on the coding strand, the complement: PRX is on the minus strand). VCF-style: chr19-40397537-G-A. GRCh37 (hg19) VCF-style: chr19-40903444-G-A.
Other names: c.*1020C>T (NM_020956.2); short protein forms T272I.
Identifiers: ClinVar variation 657531 (VCV000657531.9), dbSNP rs747384252, ClinGen allele CA308421513.

ClinVar aggregate classification (germline): Uncertain significance. Review status: criteria provided, multiple submitters, no conflicts (2 of 4 stars). 3 submissions from 3 submitters: Uncertain significance (3). Last evaluated 2025-11-12.

Conditions:
PRX-related disorder. Also called: PRX-related condition; PRX-Related Disorders.
Inborn genetic diseases. Identifiers: MedGen C0950123, MeSH D030342.
Charcot-Marie-Tooth disease type 4. Also called: Charcot-Marie-Tooth disease, type IV; Charcot-Marie-Tooth, Type 4. Identifiers: Orphanet 64749, MedGen C4082197, MONDO:0018995.

Allele frequency attached by ClinVar (database versions not stated): gnomAD 0.00001; gnomAD exomes 0.00001 and 0.00003; TOPMed 0.00001.
gnomAD v4.1: 44 of 1,542,810 alleles (0.0029%); highest among the groups gnomAD compares: Non-Finnish European, 0.0036%; no homozygotes.

Submissions (3):

PreventionGenetics, part of Exact Sciences
Classification: Uncertain significance for PRX-related condition. Last evaluated: 2025-11-12. Review status: criteria provided, single submitter. Criteria: ACMG Guidelines, 2015. Collection method: clinical testing. Allele origin: germline.
Comment: The PRX c.815C>T variant is predicted to result in the amino acid substitution p.Thr272Ile. To our knowledge, this variant has not been reported in the literature. This variant is reported in 0.0037% of alleles in individuals of European (non-Finnish) descent in gnomAD. At this time, the clinical significance of this variant is uncertain due to the absence of conclusive functional and genetic evidence.

Ambry Genetics
Classification: Uncertain significance for Inborn genetic diseases. Last evaluated: 2025-09-26. Review status: criteria provided, single submitter. Criteria: Ambry Variant Classification Scheme 2023. Collection method: clinical testing. Allele origin: germline.

Labcorp Genetics (formerly Invitae), Labcorp
Classification: Uncertain significance for Charcot-Marie-Tooth disease type 4. Last evaluated: 2022-08-12. Review status: criteria provided, single submitter. Criteria: Invitae Variant Classification Sherloc (09022015). Collection method: clinical testing. Allele origin: germline.
Comment: This sequence change replaces threonine, which is neutral and polar, with isoleucine, which is neutral and non-polar, at codon 272 of the PRX protein (p.Thr272Ile). The frequency data for this variant in the population databases is considered unreliable, as metrics indicate poor data quality at this position in the gnomAD database. This variant has not been reported in the literature in individuals affected with PRX-related conditions. ClinVar contains an entry for this variant (Variation ID: 657531). Algorithms developed to predict the effect of missense changes on protein structure and function are either unavailable or do not agree on the potential impact of this missense change (SIFT: "Tolerated"; PolyPhen-2: "Possibly Damaging"; Align-GVGD: "Class C0"). In summary, the available evidence is currently insufficient to determine the role of this variant in disease. Therefore, it has been classified as a Variant of Uncertain Significance.